The following is an entry in ClinVar:

ClinVar aggregate classification (germline): Pathogenic (1 of 4 stars; one submission).

Conditions:
Retinoblastoma (RB1). Also called: RETINOBLASTOMA, SOMATIC. Identifiers: Orphanet 790, MedGen C0035335, MeSH D012175, MONDO:0008380, OMIM 180200, HP:0009919. Disease mechanism: loss of function. Inheritance: Both sporadic and heritable forms are tested..

Submission:

Labcorp Genetics (formerly Invitae), Labcorp
Classification: Pathogenic for Retinoblastoma. Last evaluated: 2023-03-01. Review status: criteria provided, single submitter. Criteria: Invitae Variant Classification Sherloc (09022015). Collection method: clinical testing. Allele origin: germline.
Comment: For these reasons, this variant has been classified as Pathogenic. A similar copy number variant has been observed in individual(s) with bilateral retinoblastoma (PMID: 15884040; Invitae). This variant is a gross deletion of the genomic region encompassing exon(s) 12 of the RB1 gene. This deletion is out-of-frame, and is expected to create a premature termination codon and result in an absent or disrupted protein product. Loss-of-function variants in RB1 are known to be pathogenic (PMID: 17096365).

Literature cited by the submitters: PubMed 15884040; PubMed 17096365.

NC_000013.10:g.(?_48947531)_(48947691_?)del

Gene: RB1 (RB transcriptional corepressor 1; plus strand). Cytogenetic location: 13q14.2.
Variant type: Deletion.
Identifiers: ClinVar variation 1070857 (VCV001070857.3).